The following is an entry in ClinVar:

ClinVar aggregate classification (germline): Likely benign (1 of 4 stars; one submission).

Conditions:
Bilateral frontoparietal polymicrogyria. Also called: CORTICAL DYSPLASIA, COMPLEX, WITH OTHER BRAIN MALFORMATIONS 14A (BILATERAL FRONTOPARIETAL); CEREBELLAR ATAXIA WITH NEURONAL MIGRATION DEFECT. Identifiers: Orphanet 101070, MedGen C1847352, MONDO:0011738, OMIM 606854.

Allele frequency attached by ClinVar (database versions not stated): gnomAD 0.00029 and 0.00048; 1000 Genomes Project 0.00060; 1000 Genomes Project 30x 0.00062; TOPMed 0.00070.

Submission:

Illumina Laboratory Services, Illumina
Classification: Likely benign for Bilateral frontoparietal polymicrogyria. Last evaluated: 2018-01-13. Review status: criteria provided, single submitter. Criteria: ICSL Variant Classification Criteria 13 December 2019. Collection method: clinical testing. Allele origin: germline.
Comment: This variant was observed in the ICSL laboratory as part of a predisposition screen in an ostensibly healthy population. It had not been previously curated by ICSL or reported in the Human Gene Mutation Database (HGMD: prior to June 1st, 2018), and was therefore a candidate for classification through an automated scoring system. Utilizing variant allele frequency, disease prevalence and penetrance estimates, and inheritance mode, an automated score was calculated to assess if this variant is too frequent to cause the disease. Based on the score and internal cut-off values, a variant classified as likely benign is not then subjected to further curation. The score for this variant resulted in a classification of likely benign for this disease.

NM_005682.7(ADGRG1):c.-227C>A

Gene: ADGRG1 (adhesion G protein-coupled receptor G1; plus strand). Cytogenetic location: 16q21.
Variant type: single nucleotide variant.
Coding change: c.-227C>A on transcript NM_005682.7; 227 bases upstream of the start codon, C replaced by A.
Molecular consequence: 5 prime UTR variant. On other transcripts: intron variant (9).
Genome position (GRCh38, 1-based): chr16:57,620,063, C>A. VCF-style: chr16-57620063-C-A. GRCh37 (hg19) VCF-style: chr16-57653975-C-A.
Other names: c.-227C>A (NM_001145770.3, NM_001370434.1, NM_001370442.1); c.-231C>A (NM_001370431.1, NM_001370437.1); c.-109C>A (NM_001370432.1, NM_001370433.1, NM_001370439.1 and 1 more transcripts); c.-793C>A (NM_001370453.1); c.-158+182C>A (NM_001370440.1); c.-154+182C>A (NM_001370428.1, NM_001370436.1, NM_001290142.2); c.-636+182C>A (NM_001370451.1); c.-36+182C>A (NM_001370430.1, NM_001370438.1); and 2 more.
Identifiers: ClinVar variation 884842 (VCV000884842.6), dbSNP rs549770392, ClinGen allele CA281598402.